The following is an entry in ClinVar:

ClinVar aggregate classification (germline): Uncertain significance (1 of 4 stars; one submission).

Conditions:
Neuropathy, hereditary sensory, type 2C. Also called: KIF1A-Related HSAN2 (HSAN2C); Hereditary sensory and autonomic neuropathy type IIC. Identifiers: Orphanet 970, MedGen C3280168, MONDO:0013634, OMIM 614213.
Hereditary spastic paraplegia 30. Identifiers: Orphanet 101010, MedGen C5235139, MONDO:0012476.
Intellectual disability, autosomal dominant 9 (NESCAVS). Also called: KIF1A-Related Neurodevelopmental Disorder; NESCAV SYNDROME. Identifiers: Orphanet 662367, MedGen C5393830, MONDO:0013656, OMIM 614255.

gnomAD v4.1: 1 of 1,601,540 alleles (0.000062%); highest among the groups gnomAD compares: East Asian, 0.0023%; no homozygotes.

Submission:

Labcorp Genetics (formerly Invitae), Labcorp
Classification: Uncertain significance for Hereditary spastic paraplegia 30; Neuropathy, hereditary sensory, type 2C; Intellectual disability, autosomal dominant 9. Last evaluated: 2025-04-10. Review status: criteria provided, single submitter. Criteria: Invitae Variant Classification Sherloc (09022015). Collection method: clinical testing. Allele origin: germline.
Comment: This sequence change replaces arginine, which is basic and polar, with leucine, which is neutral and non-polar, at codon 1677 of the KIF1A protein (p.Arg1677Leu). This variant also falls at the last nucleotide of exon 45, which is part of the consensus splice site for this exon. The frequency data for this variant in the population databases is considered unreliable, as metrics indicate poor data quality at this position in the gnomAD database. This variant has not been reported in the literature in individuals affected with KIF1A-related conditions. An algorithm developed to predict the effect of missense changes on protein structure and function (PolyPhen-2) suggests that this variant is likely to be tolerated. Variants that disrupt the consensus splice site are a relatively common cause of aberrant splicing (PMID: 17576681, 9536098). Algorithms developed to predict the effect of sequence changes on RNA splicing suggest that this variant may disrupt the consensus splice site. In summary, the available evidence is currently insufficient to determine the role of this variant in disease. Therefore, it has been classified as a Variant of Uncertain Significance.

Literature cited by the submitters: PubMed 17576681; PubMed 9536098.

NM_001244008.2(KIF1A):c.5333G>T (p.Arg1778Leu)

Gene: KIF1A (kinesin family member 1A; minus strand). Cytogenetic location: 2q37.3.
Variant type: single nucleotide variant.
Coding change: c.5333G>T on transcript NM_001244008.2 (MANE Select); coding-DNA position 5333, G replaced by T.
Protein change: p.Arg1778Leu; replaces arginine 1778 with leucine.
Molecular consequence: missense variant.
Genome position (GRCh38, 1-based): chr2:240,718,050, C>A on the plus strand (G>T on the coding strand, the complement: KIF1A is on the minus strand). VCF-style: chr2-240718050-C-A. GRCh37 (hg19) VCF-style: chr2-241657467-C-A.
Other names: c.5057G>T, p.Arg1686Leu (NM_001320705.2, NM_001379649.1); c.5084G>T, p.Arg1695Leu (NM_001330289.2); c.5132G>T, p.Arg1711Leu (NM_001330290.2, NM_001379648.1); c.5408G>T, p.Arg1803Leu (NM_001379631.1); c.5309G>T, p.Arg1770Leu (NM_001379632.1); c.5306G>T, p.Arg1769Leu (NM_001379633.1, NM_001379645.1); c.5159G>T, p.Arg1720Leu (NM_001379634.1); c.5156G>T, p.Arg1719Leu (NM_001379635.1, NM_001379646.1); and 8 more; short protein forms R1694L, R1702L, R1711L, R1715L, R1770L, R1803L, R1695L, R1719L.
Identifiers: ClinVar variation 4792928 (VCV004792928.1).